The following is an entry in ClinVar:

ClinVar aggregate classification (germline): Uncertain significance. Review status: criteria provided, multiple submitters, no conflicts (2 of 4 stars). 3 submissions from 3 submitters: Uncertain significance (3). Last evaluated 2025-02-23.

Conditions:
Inborn genetic diseases. Identifiers: MedGen C0950123, MeSH D030342.

Allele frequency attached by ClinVar (database versions not stated): gnomAD exomes below 0.00001; gnomAD 0.00001; TOPMed below 0.00001.
gnomAD v4.1: 3 of 1,613,634 alleles (0.00019%); highest among the groups gnomAD compares: Non-Finnish European, 0.00025%; no homozygotes.

Submissions (3):

Labcorp Genetics (formerly Invitae), Labcorp
Classification: Uncertain significance. Last evaluated: 2025-02-23. Review status: criteria provided, single submitter. Criteria: Invitae Variant Classification Sherloc (09022015). Collection method: clinical testing. Allele origin: germline.
Comment: This sequence change replaces glutamine, which is neutral and polar, with glutamic acid, which is acidic and polar, at codon 404 of the SRP54 protein (p.Gln404Glu). This variant is present in population databases (no rsID available, gnomAD 0.0009%). This variant has not been reported in the literature in individuals affected with SRP54-related conditions. ClinVar contains an entry for this variant (Variation ID: 1309369). Invitae Evidence Modeling of protein sequence and biophysical properties (such as structural, functional, and spatial information, amino acid conservation, physicochemical variation, residue mobility, and thermodynamic stability) indicates that this missense variant is not expected to disrupt SRP54 protein function with a negative predictive value of 80%. In summary, the available evidence is currently insufficient to determine the role of this variant in disease. Therefore, it has been classified as a Variant of Uncertain Significance.

Ambry Genetics
Classification: Uncertain significance for Inborn genetic diseases. Last evaluated: 2024-08-28. Review status: criteria provided, single submitter. Criteria: Ambry Variant Classification Scheme 2023. Collection method: clinical testing. Allele origin: germline.

GeneDx
Classification: Uncertain significance. Last evaluated: 2019-10-25. Review status: criteria provided, single submitter. Criteria: GeneDx Variant Classification Process June 2021. Collection method: clinical testing. Allele origin: germline. Affected: yes.
Comment: In silico analysis, which includes protein predictors and evolutionary conservation, supports that this variant does not alter protein structure/function; Has not been previously published as pathogenic or benign to our knowledge

NM_003136.4(SRP54):c.1210C>G (p.Gln404Glu)

Gene: SRP54 (signal recognition particle 54; plus strand). Cytogenetic location: 14q13.2.
Variant type: single nucleotide variant.
Coding change: c.1210C>G on transcript NM_003136.4 (MANE Select); coding-DNA position 1210, C replaced by G.
Protein change: p.Gln404Glu; replaces glutamine 404 with glutamic acid.
Molecular consequence: missense variant.
Genome position (GRCh38, 1-based): chr14:35,022,963, C>G. VCF-style: chr14-35022963-C-G. GRCh37 (hg19) VCF-style: chr14-35492169-C-G.
Other names: c.1063C>G, p.Gln355Glu (NM_001146282.2); short protein forms Q355E, Q404E.
Identifiers: ClinVar variation 1309369 (VCV001309369.5), dbSNP rs1398862907, ClinGen allele CA389448318.